The following is an entry in ClinVar:

NM_017635.5(KMT5B):c.2632G>C (p.Asp878His)

Gene: KMT5B (lysine methyltransferase 5B; minus strand). Cytogenetic location: 11q13.2.
Variant type: single nucleotide variant.
Coding change: c.2632G>C on transcript NM_017635.5 (MANE Select); coding-DNA position 2632, G replaced by C.
Protein change: p.Asp878His; replaces aspartic acid 878 with histidine.
Molecular consequence: missense variant.
Genome position (GRCh38, 1-based): chr11:68,157,714, C>G on the plus strand (G>C on the coding strand, the complement: KMT5B is on the minus strand). VCF-style: chr11-68157714-C-G. GRCh37 (hg19) VCF-style: chr11-67925181-C-G.
Other names: c.2116G>C, p.Asp706His (NM_001300907.1, NM_001369428.1, NM_001369429.1 and 4 more transcripts); c.1912G>C, p.Asp638His (NM_001300908.2); c.2632G>C, p.Asp878His (NM_001369426.1); short protein forms D638H, D706H, D878H.
Identifiers: ClinVar variation 3391760 (VCV003391760.1).

ClinVar aggregate classification (germline): Uncertain significance (1 of 4 stars; one submission).

Submission:

GeneDx
Classification: Uncertain significance. Last evaluated: 2024-06-18. Review status: criteria provided, single submitter. Criteria: GeneDx Variant Classification Process June 2021. Collection method: clinical testing. Allele origin: germline. Affected: yes.
Comment: Not observed at significant frequency in large population cohorts (gnomAD); In silico analysis indicates that this missense variant does not alter protein structure/function; Has not been previously published as pathogenic or benign to our knowledge